The following is an entry in ClinVar:

ClinVar aggregate classification (germline): Pathogenic/Likely pathogenic. Review status: criteria provided, multiple submitters, no conflicts (2 of 4 stars). 6 submissions from 6 submitters: Pathogenic (1); Likely pathogenic (4). 1 of the submissions does not count toward it. Last evaluated 2025-01-29.

Conditions:
Familial gestational hyperthyroidism. Identifiers: Orphanet 99819, MedGen C1863959, MONDO:0011309, OMIM 603373.
Familial hyperthyroidism due to mutations in TSH receptor. Also called: TOXIC THYROID HYPERPLASIA, AUTOSOMAL DOMINANT; HYPERTHYROIDISM, CONGENITAL NONAUTOIMMUNE; HYPERTHYROIDISM, NONAUTOIMMUNE, AUTOSOMAL DOMINANT. Identifiers: Orphanet 424, MedGen C1836706, MONDO:0012203, OMIM 609152.
Hypothyroidism due to TSH receptor mutations. Also called: HYPOTHYROIDISM DUE TO UNRESPONSIVENESS TO THYROTROPIN; HYPOTHYROIDISM, CONGENITAL, DUE TO TSH RESISTANCE; HYPOTHYROIDISM, NONAUTOIMMUNE; THYROID-STIMULATING HORMONE, RESISTANCE TO; TSH RESISTANCE; Hypothyroidism, congenital, nongoitrous, 1. Identifiers: Orphanet 90673, MedGen C3493776, MONDO:0010142, OMIM 275200.

Allele frequency attached by ClinVar (database versions not stated): TOPMed below 0.00001; 1000 Genomes Project 30x 0.00016; gnomAD 0.00001; gnomAD exomes 0.00001 and 0.00002; 1000 Genomes Project 0.00020; ExAC 0.00002.
gnomAD v4.1: 11 of 1,612,898 alleles (0.00068%); highest among the groups gnomAD compares: Admixed American, 0.0017%; no homozygotes.

Submissions (6):

Dasa
Classification: Likely pathogenic. Last evaluated: 2025-01-29. Review status: criteria provided, single submitter. Criteria: DASA Assertion Criteria. Collection method: clinical testing. Allele origin: germline.
Comment: NM_000369.5(TSHR):c.326G>A (p.Arg109Gln) is a missense variant that results in the substitution of arginine with glutamine. This variant has been recurrently observed in individuals with TSHR-related disorders (PMID: 9100579; PMID: 30083029; PMID: 37346832; PMID: 39337518). Functional evidence supports an impact on the gene or gene product. Also, this variant is rare in population databases. Based on the currently available evidence, this variant is classified as likely pathogenic.

Fulgent Genetics
Classification: Likely pathogenic for Hypothyroidism due to TSH receptor mutations; Familial gestational hyperthyroidism; Familial hyperthyroidism due to mutations in TSH receptor. Last evaluated: 2024-06-18. Review status: criteria provided, single submitter. Criteria: ACMG Guidelines, 2015. Collection method: clinical testing. Allele origin: germline.

Women's Health and Genetics/Laboratory Corporation of America, LabCorp
Classification: Pathogenic for Hypothyroidism due to TSH receptor mutations. Last evaluated: 2024-06-18. Review status: criteria provided, single submitter. Criteria: LabCorp Variant Classification Summary - May 2015. Collection method: clinical testing. Allele origin: germline.
Comment: Variant summary: TSHR c.326G>A (p.Arg109Gln) results in a conservative amino acid change in the encoded protein sequence. Three of five in-silico tools predict a benign effect of the variant on protein function. The variant allele was found at a frequency of 2e-05 in 251390 control chromosomes. c.326G>A has been reported in the literature in the homozygous and compound heterozygous state in multiple individuals affected with Hypothyroidism Due To TSH Receptor Mutations (e.g. deFilippis_2017, Sigisawa_2018, Clifton-Bligh_1997, Watanabe_2021, Kara_2023). These data indicate that the variant is very likely to be associated with disease. In vitro studies in HEK293 and COS-7 cells show that this variant results in decreased enzyme activity and reduced binding affinity (e.g. Sugisawa_2018, Clifton-Bligh_1997). The following publications have been ascertained in the context of this evaluation (PMID: 9100579, 36913313, 30083029, 34234053, 28444304). ClinVar contains an entry for this variant (Variation ID: 6438). Based on the evidence outlined above, the variant was classified as pathogenic.

Labcorp Genetics (formerly Invitae), Labcorp
Classification: Likely pathogenic. Last evaluated: 2023-08-18. Review status: criteria provided, single submitter. Criteria: Invitae Variant Classification Sherloc (09022015). Collection method: clinical testing. Allele origin: germline.
Comment: ClinVar contains an entry for this variant (Variation ID: 6438). In summary, the currently available evidence indicates that the variant is pathogenic, but additional data are needed to prove that conclusively. Therefore, this variant has been classified as Likely Pathogenic. Algorithms developed to predict the effect of sequence changes on RNA splicing suggest that this variant may disrupt the consensus splice site. Experimental studies have shown that this missense change affects TSHR function (PMID: 9100579, 30083029). Advanced modeling of protein sequence and biophysical properties (such as structural, functional, and spatial information, amino acid conservation, physicochemical variation, residue mobility, and thermodynamic stability) performed at Invitae indicates that this missense variant is not expected to disrupt TSHR protein function. This missense change has been observed in individual(s) with autosomal recessive hypothyroidism (PMID: 9100579, 27637299, 28444304, 30083029). In at least one individual the data is consistent with being in trans (on the opposite chromosome) from a pathogenic variant. This variant is present in population databases (rs121908865, gnomAD 0.007%). This sequence change replaces arginine, which is basic and polar, with glutamine, which is neutral and polar, at codon 109 of the TSHR protein (p.Arg109Gln).

Juno Genomics, Hangzhou Juno Genomics, Inc
Classification: Likely pathogenic for Hypothyroidism due to TSH receptor mutations. Review status: criteria provided, single submitter. Criteria: ACMG Guidelines, 2015. Collection method: clinical testing. Allele origin: germline.
Comment: Absent from controls (or at extremely low frequency if recessive) in Genome Aggregation Database.;Multiple lines of computational evidence support a deleterious effect on the gene or gene product.;For recessive disorders, detected in trans with a pathogenic variant.;Patient's phenotype or family history is highly specific for a disease with a single genetic etiology.

OMIM
Classification: Pathogenic for HYPOTHYROIDISM, CONGENITAL, NONGOITROUS, 1. Last evaluated: 1997-04-01. Review status: no assertion criteria provided. Collection method: literature only. Allele origin: germline. Not counted in ClinVar's aggregate classification.

Literature cited by the submitters: PubMed 30083029 (cited by 3 submitters); PubMed 9100579 (cited by 4 submitters); PubMed 37346832 (cited by Dasa); PubMed 39337518 (cited by Dasa); PubMed 28444304 (cited by Women's Health and Genetics/Laboratory Corporation of America, LabCorp and Labcorp Genetics (formerly Invitae), Labcorp); PubMed 36913313 (cited by Women's Health and Genetics/Laboratory Corporation of America, LabCorp); PubMed 34234053 (cited by Women's Health and Genetics/Laboratory Corporation of America, LabCorp); PubMed 27637299 (cited by Labcorp Genetics (formerly Invitae), Labcorp).

NM_000369.5(TSHR):c.326G>A (p.Arg109Gln)

Genes: TSHR (thyroid stimulating hormone receptor; plus strand), TSHR-AS1 (TSHR antisense RNA 1; minus strand). Cytogenetic location: 14q31.1.
Variant type: single nucleotide variant.
Coding change: c.326G>A on transcript NM_000369.5 (MANE Select); coding-DNA position 326, G replaced by A.
Protein change: p.Arg109Gln; replaces arginine 109 with glutamine.
Molecular consequence: missense variant.
Genome position (GRCh38, 1-based): chr14:81,087,962, G>A. VCF-style: chr14-81087962-G-A. GRCh37 (hg19) VCF-style: chr14-81554306-G-A.
Other names: c.326G>A, p.Arg109Gln (NM_001018036.3, NM_001142626.3); short protein forms R109Q.
Identifiers: ClinVar variation 6438 (VCV000006438.10), dbSNP rs121908865, ClinGen allele CA118215.
Genomic context (GRCh38, chr14:81,087,962, plus strand): 5'-AAGAACAGATACGGATGCATTATAGTGACTGTGTTCCTTGTAACTTATACAGAGAAATTC[G>A]GAATACCAGGAACTTAACTTACATAGACCCTGATGCCCTCAAAGAGCTCCCCCTCCTAAA-3'
Protein context (NP_000360.2, residues 99-119): NLSKVTHIEI[Arg109Gln]NTRNLTYIDP